The following is an entry in ClinVar:

NM_004663.5(RAB11A):c.617A>G (p.Asn206Ser)

Gene: RAB11A (RAB11A, member RAS oncogene family; plus strand). Cytogenetic location: 15q22.31.
Variant type: single nucleotide variant.
Coding change: c.617A>G on transcript NM_004663.5 (MANE Select); coding-DNA position 617, A replaced by G.
Protein change: p.Asn206Ser; replaces asparagine 206 with serine.
Molecular consequence: missense variant. On other transcripts: 3 prime UTR variant (1).
Genome position (GRCh38, 1-based): chr15:65,887,806, A>G. VCF-style: chr15-65887806-A-G. GRCh37 (hg19) VCF-style: chr15-66180144-A-G.
Other names: c.*54A>G (NM_001206836.2); short protein forms N206S.
Identifiers: ClinVar variation 2115420 (VCV002115420.4), dbSNP rs770049340, ClinGen allele CA7621644.

ClinVar aggregate classification (germline): Uncertain significance (1 of 4 stars; one submission).

Allele frequency attached by ClinVar (database versions not stated): gnomAD exomes below 0.00001; ExAC 0.00001.
gnomAD v4.1: 2 of 1,613,624 alleles (0.00012%); highest among the groups gnomAD compares: Admixed American, 0.0033%; no homozygotes.

Submission:

Labcorp Genetics (formerly Invitae), Labcorp
Classification: Uncertain significance. Last evaluated: 2024-08-18. Review status: criteria provided, single submitter. Criteria: Invitae Variant Classification Sherloc (09022015). Collection method: clinical testing. Allele origin: germline.
Comment: This sequence change replaces asparagine, which is neutral and polar, with serine, which is neutral and polar, at codon 206 of the RAB11A protein (p.Asn206Ser). This variant is present in population databases (rs770049340, gnomAD 0.003%). This variant has not been reported in the literature in individuals affected with RAB11A-related conditions. ClinVar contains an entry for this variant (Variation ID: 2115420). An algorithm developed to predict the effect of missense changes on protein structure and function (PolyPhen-2) suggests that this variant is likely to be tolerated. In summary, the available evidence is currently insufficient to determine the role of this variant in disease. Therefore, it has been classified as a Variant of Uncertain Significance.